The following is an entry in ClinVar:

NM_000535.7(PMS2):c.930C>A (p.Tyr310Ter)

Gene: PMS2 (PMS1 homolog 2, mismatch repair system component; minus strand). Cytogenetic location: 7p22.1.
Variant type: single nucleotide variant.
Coding change: c.930C>A on transcript NM_000535.7 (MANE Select); coding-DNA position 930, C replaced by A.
Protein change: p.Tyr310Ter; replaces tyrosine 310 with a stop codon.
Molecular consequence: nonsense. On other transcripts: non-coding transcript variant (1), 5 prime UTR variant (2).
Genome position (GRCh38, 1-based): chr7:5,992,031, G>T on the plus strand (C>A on the coding strand, the complement: PMS2 is on the minus strand). VCF-style: chr7-5992031-G-T. GRCh37 (hg19) VCF-style: chr7-6031662-G-T.
Other names: c.525C>A, p.Tyr175Ter (NM_001406898.1, NM_001406899.1, NM_001406906.1 and 20 more transcripts); c.621C>A, p.Tyr207Ter (NM_001406900.1, NM_001322015.2, NM_001406875.1 and 6 more transcripts); c.612C>A, p.Tyr204Ter (NM_001406901.1, NM_001406902.1, NM_001406903.1 and 4 more transcripts); c.417C>A, p.Tyr139Ter (NM_001406904.1, NM_001406905.1); c.357C>A, p.Tyr119Ter (NM_001406909.1, NM_001322013.2); c.159C>A, p.Tyr53Ter (NM_001406911.1); c.930C>A, p.Tyr310Ter (NM_001322006.2, NM_001322014.2, NM_001406870.1 and 2 more transcripts); c.-4C>A (NM_001322011.2, NM_001322012.2); and 7 more; short protein forms Y119*, Y175*, Y188*, Y274*, Y198*, Y207*, Y318*, Y53*.
Identifiers: ClinVar variation 1766518 (VCV001766518.2), dbSNP rs1405625567, ClinGen allele CA366743176.

ClinVar aggregate classification (germline): Pathogenic (1 of 4 stars; one submission).

Conditions:
Hereditary cancer-predisposing syndrome. Also called: Hereditary Cancer Syndrome; Hereditary neoplastic syndrome; Neoplastic Syndromes, Hereditary; Tumor predisposition. Identifiers: Orphanet 140162, MedGen C0027672, MeSH D009386, MONDO:0015356.

Submission:

Ambry Genetics
Classification: Pathogenic for Hereditary cancer-predisposing syndrome. Last evaluated: 2022-05-20. Review status: criteria provided, single submitter. Criteria: Ambry Variant Classification Scheme 2023. Collection method: clinical testing. Allele origin: germline.
Comment: The p.Y310* pathogenic mutation (also known as c.930C>A), located in coding exon 9 of the PMS2 gene, results from a C to A substitution at nucleotide position 930. This changes the amino acid from a tyrosine to a stop codon within coding exon 9. This alteration is expected to result in loss of function by premature protein truncation or nonsense-mediated mRNA decay. As such, this alteration is interpreted as a disease-causing mutation.